The following is an entry in ClinVar:

NR_003137.3(RNU4-2):n.50G>T

Genes: RNU4-2 (RNA, U4 small nuclear 2; minus strand), SIRT4 (sirtuin 4; plus strand). Cytogenetic location: 12q24.23.
Variant type: single nucleotide variant.
Molecular consequence: non-coding transcript variant (on NR_003137.3).
Genome position: GRCh38 VCF-style: chr12-120291854-C-A. GRCh37 (hg19) VCF-style: chr12-120729657-C-A.
Identifiers: ClinVar variation 4795822 (VCV004795822.1).

ClinVar aggregate classification (germline): Uncertain significance (1 of 4 stars; one submission).

Conditions:
Neurodevelopmental disorder with hypotonia, brain anomalies, distinctive facies, and absent language. Also called: ReNU SYNDROME; RNU4-2-Related Neurodevelopmental Disorder; RNU4-2–Related Autosomal Dominant Neurodevelopmental Disorder. Identifiers: Orphanet 686488, MedGen C5935628, MONDO:0971172, OMIM 620851.

Submission:

Centre for Population Genomics, CPG
Classification: Uncertain significance for RNU4-2-Related Neurodevelopmental Disorder. Last evaluated: 2026-02-11. Review status: criteria provided, single submitter. Criteria: Ellingford et al. (Genome Med. 2022). Collection method: research. Allele origin: germline. Inheritance: Autosomal recessive inheritance. Affected: yes. Observed: 1 variant allele, 1 compound heterozygote.
Comment: PM2_supp,PM3